The following is an entry in ClinVar:

ClinVar aggregate classification (germline): Uncertain significance. Review status: criteria provided, multiple submitters, no conflicts (2 of 4 stars). 5 submissions from 5 submitters: Uncertain significance (4). 1 of the submissions does not count toward it. Last evaluated 2025-11-26.

Conditions:
SRP72-related disorder. Also called: SRP72-related condition.
Autosomal dominant aplasia and myelodysplasia. Also called: Bone marrow failure syndrome 1. Identifiers: Orphanet 314399, MedGen C3808553, MONDO:0013851, OMIM 614675.

Allele frequency attached by ClinVar (database versions not stated): TOPMed 0.00013; ESP Exome Variant Server 0.00015.
gnomAD v4.1: 379 of 1,556,552 alleles (0.024%); highest among the groups gnomAD compares: Non-Finnish European, 0.032%; no homozygotes.

Submissions (5):

Labcorp Genetics (formerly Invitae), Labcorp
Classification: Uncertain significance. Last evaluated: 2025-11-26. Review status: criteria provided, single submitter. Criteria: Invitae Variant Classification Sherloc (09022015). Collection method: clinical testing. Allele origin: germline.
Comment: This sequence change replaces glycine, which is neutral and non-polar, with arginine, which is basic and polar, at codon 7 of the SRP72 protein (p.Gly7Arg). This variant is present in population databases (rs17524437, gnomAD 0.008%). This variant has not been reported in the literature in individuals affected with SRP72-related conditions. ClinVar contains an entry for this variant (Variation ID: 436864). An algorithm developed to predict the effect of missense changes on protein structure and function (PolyPhen-2) suggests that this variant is likely to be disruptive. In summary, the available evidence is currently insufficient to determine the role of this variant in disease. Therefore, it has been classified as a Variant of Uncertain Significance.

GeneDx
Classification: Uncertain significance. Last evaluated: 2025-05-05. Review status: criteria provided, single submitter. Criteria: GeneDx Variant Classification Process June 2021. Collection method: clinical testing. Allele origin: germline. Affected: yes.
Comment: In silico analysis suggests that this missense variant does not alter protein structure/function; Has not been previously published as pathogenic or benign to our knowledge

Fulgent Genetics
Classification: Uncertain significance for Autosomal dominant aplasia and myelodysplasia. Last evaluated: 2024-04-23. Review status: criteria provided, single submitter. Criteria: ACMG Guidelines, 2015. Collection method: clinical testing. Allele origin: germline.

Genetic Services Laboratory, University of Chicago
Classification: Uncertain significance. Last evaluated: 2017-02-06. Review status: criteria provided, single submitter. Criteria: ACMG Guidelines, 2015. Collection method: clinical testing. Allele origin: germline. Affected: no.

PreventionGenetics, part of Exact Sciences
Classification: Uncertain significance for SRP72-related condition. Last evaluated: 2024-09-12. Review status: no assertion criteria provided. Collection method: clinical testing. Allele origin: germline. Not counted in ClinVar's aggregate classification.
Comment: The SRP72 c.19G>C variant is predicted to result in the amino acid substitution p.Gly7Arg. To our knowledge, this variant has not been reported in the literature. This variant is reported in 0.0084% of alleles in individuals of European (Non-Finnish) descent in gnomAD. At this time, the clinical significance of this variant is uncertain due to the absence of conclusive functional and genetic evidence.

NM_006947.4(SRP72):c.19G>C (p.Gly7Arg)

Genes: SRP72 (signal recognition particle 72; plus strand), LOC129992625 (ATAC-STARR-seq lymphoblastoid active region 21580; plus strand). Cytogenetic location: 4q12.
Variant type: single nucleotide variant.
Coding change: c.19G>C on transcript NM_006947.4 (MANE Select); coding-DNA position 19, G replaced by C.
Protein change: p.Gly7Arg; replaces glycine 7 with arginine.
Molecular consequence: missense variant. On other transcripts: non-coding transcript variant (1).
Genome position (GRCh38, 1-based): chr4:56,467,654, G>C. VCF-style: chr4-56467654-G-C. GRCh37 (hg19) VCF-style: chr4-57333820-G-C.
Other names: c.19G>C, p.Gly7Arg (NM_001267722.2); short protein forms G7R.
Identifiers: ClinVar variation 436864 (VCV000436864.19), dbSNP rs17524437, ClinGen allele CA2930921.